The following is an entry in ClinVar:

ClinVar aggregate classification (germline): Conflicting classifications of pathogenicity. Review status: criteria provided, conflicting classifications (1 of 4 stars). 2 submissions from 2 submitters: Uncertain significance (1); Likely benign (1). Last evaluated 2025-08-09.

Conditions:
Adams-Oliver syndrome 5 (AOS5). Identifiers: Orphanet 974, MedGen C4014970, MONDO:0014459, OMIM 616028.
Familial thoracic aortic aneurysm and aortic dissection (TAAD). Also called: Thoracic aortic aneurysms and dissections. Identifiers: Orphanet 91387, MedGen C4707243, MONDO:0019625.

gnomAD v4.1: 1 of 1,608,366 alleles (0.000062%); highest among the groups gnomAD compares: Non-Finnish European, 0.000085%; no homozygotes.

Submissions (2):

Ambry Genetics
Classification: Likely benign for Familial thoracic aortic aneurysm and aortic dissection. Last evaluated: 2025-08-09. Review status: criteria provided, single submitter. Criteria: Ambry Variant Classification Scheme 2023. Collection method: clinical testing. Allele origin: germline.

Labcorp Genetics (formerly Invitae), Labcorp
Classification: Uncertain significance for Adams-Oliver syndrome 5. Last evaluated: 2024-02-26. Review status: criteria provided, single submitter. Criteria: Invitae Variant Classification Sherloc (09022015). Collection method: clinical testing. Allele origin: germline.
Comment: This sequence change replaces isoleucine, which is neutral and non-polar, with valine, which is neutral and non-polar, at codon 908 of the NOTCH1 protein (p.Ile908Val). This variant is not present in population databases (gnomAD no frequency). This variant has not been reported in the literature in individuals affected with NOTCH1-related conditions. Advanced modeling of protein sequence and biophysical properties (such as structural, functional, and spatial information, amino acid conservation, physicochemical variation, residue mobility, and thermodynamic stability) performed at Invitae indicates that this missense variant is not expected to disrupt NOTCH1 protein function with a negative predictive value of 80%. In summary, the available evidence is currently insufficient to determine the role of this variant in disease. Therefore, it has been classified as a Variant of Uncertain Significance.

NM_017617.5(NOTCH1):c.2722A>G (p.Ile908Val)

Gene: NOTCH1 (notch receptor 1; minus strand). Cytogenetic location: 9q34.3.
Variant type: single nucleotide variant.
Coding change: c.2722A>G on transcript NM_017617.5 (MANE Select); coding-DNA position 2722, A replaced by G.
Protein change: p.Ile908Val; replaces isoleucine 908 with valine.
Molecular consequence: missense variant.
Genome position (GRCh38, 1-based): chr9:136,510,671, T>C on the plus strand (A>G on the coding strand, the complement: NOTCH1 is on the minus strand). VCF-style: chr9-136510671-T-C. GRCh37 (hg19) VCF-style: chr9-139405123-T-C.
Other names: c.2722A>G (NM_017617.3); short protein forms I908V.
Identifiers: ClinVar variation 3671801 (VCV003671801.4).